The following is an entry in ClinVar:

ClinVar aggregate classification (germline): Benign/Likely benign. Review status: criteria provided, multiple submitters, no conflicts (2 of 4 stars). 3 submissions from 3 submitters: Benign (1); Likely benign (2). Last evaluated 2025-08-14.

Conditions:
Hereditary cancer-predisposing syndrome. Also called: Neoplastic Syndromes, Hereditary; Hereditary neoplastic syndrome; Hereditary Cancer Syndrome; Tumor predisposition. Identifiers: Orphanet 140162, MedGen C0027672, MeSH D009386, MONDO:0015356.
Hereditary diffuse gastric adenocarcinoma (HDGC). Also called: DIFFUSE GASTRIC AND LOBULAR BREAST CANCER SYNDROME. Identifiers: Orphanet 26106, MedGen C1708349, MONDO:0007648, OMIM 137215.

Allele frequency attached by ClinVar (database versions not stated): gnomAD exomes 0.00001 and 0.00002; ExAC 0.00002.
gnomAD v4.1: 9 of 1,614,184 alleles (0.00056%); highest among the groups gnomAD compares: South Asian, 0.0033%; no homozygotes.

Submissions (3):

Labcorp Genetics (formerly Invitae), Labcorp
Classification: Likely benign. Last evaluated: 2025-08-14. Review status: criteria provided, single submitter. Criteria: Invitae Variant Classification Sherloc (09022015). Collection method: clinical testing. Allele origin: germline.

Myriad Genetics, Inc.
Classification: Benign for Hereditary diffuse gastric adenocarcinoma. Last evaluated: 2024-10-15. Review status: criteria provided, single submitter. Criteria: Myriad Autosomal Dominant, Autosomal Recessive and X-Linked Classification Criteria (2023). Collection method: clinical testing. Allele origin: unknown.
Comment: This variant is considered benign. This variant is a silent/synonymous amino acid change and it is not expected to impact splicing.

Ambry Genetics
Classification: Likely benign for Hereditary cancer-predisposing syndrome. Last evaluated: 2022-04-02. Review status: criteria provided, single submitter. Criteria: Ambry Variant Classification Scheme 2023. Collection method: clinical testing. Allele origin: germline.

NM_001903.5(CTNNA1):c.2523C>T (p.Thr841=)

Gene: CTNNA1 (catenin alpha 1; plus strand). Cytogenetic location: 5q31.2.
Variant type: single nucleotide variant.
Coding change: c.2523C>T on transcript NM_001903.5 (MANE Select); coding-DNA position 2523, C replaced by T.
Protein change: p.Thr841=; no amino-acid change (threonine 841 retained).
Molecular consequence: synonymous variant. On other transcripts: 3 prime UTR variant (5).
Genome position (GRCh38, 1-based): chr5:138,933,891, C>T. VCF-style: chr5-138933891-C-T. GRCh37 (hg19) VCF-style: chr5-138269580-C-T.
Other names: c.1413C>T, p.Thr471= (NM_001323992.1, NM_001323993.1, NM_001323994.1 and 12 more transcripts); c.1074C>T, p.Thr358= (NM_001324009.1, NM_001324010.1, NM_001324006.1 and 2 more transcripts); c.1278C>T, p.Thr426= (NM_001324001.1); c.*68C>T (NM_001324002.1, NM_001324003.1, NM_001324004.1 and 2 more transcripts); c.1320C>T, p.Thr440= (NM_001324011.1); c.1170C>T, p.Thr390= (NM_001324012.1, NM_001324013.1); c.2214C>T, p.Thr738= (NM_001290309.3); c.2154C>T, p.Thr718= (NM_001290310.3); and 3 more.
Identifiers: ClinVar variation 1104614 (VCV001104614.12), dbSNP rs772912136, ClinGen allele CA3432262.